The following is an entry in ClinVar:

ClinVar aggregate classification (germline): Uncertain significance (1 of 4 stars; one submission).

Conditions:
PLXNA4-related disorder. Also called: PLXNA4-related condition.

gnomAD v4.1: 32 of 1,581,242 alleles (0.002%); highest among the groups gnomAD compares: African/African-American, 0.004%; no homozygotes.

Submission:

PreventionGenetics, part of Exact Sciences
Classification: Uncertain significance for PLXNA4-related condition. Last evaluated: 2026-01-02. Review status: criteria provided, single submitter. Criteria: ACMG Guidelines, 2015. Collection method: clinical testing. Allele origin: germline.
Comment: The PLXNA4 c.2140G>A variant is predicted to result in the amino acid substitution p.Val714Met. To our knowledge, this variant has not been reported in the literature. This variant is reported in 0.011% of alleles in individuals of Ashkenazi Jewish descent in gnomAD. At this time, the clinical significance of this variant is uncertain due to the absence of conclusive functional and genetic evidence.

NM_020911.2(PLXNA4):c.2140G>A (p.Val714Met)

Gene: PLXNA4 (plexin A4; minus strand). Cytogenetic location: 7q32.3.
Variant type: single nucleotide variant.
Coding change: c.2140G>A on transcript NM_020911.2 (MANE Select); coding-DNA position 2140, G replaced by A.
Protein change: p.Val714Met; replaces valine 714 with methionine.
Molecular consequence: missense variant.
Genome position (GRCh38, 1-based): chr7:132,211,101, C>T on the plus strand (G>A on the coding strand, the complement: PLXNA4 is on the minus strand). VCF-style: chr7-132211101-C-T. GRCh37 (hg19) VCF-style: chr7-131895860-C-T.
Other names: c.2140G>A, p.Val714Met (NM_001393897.1); short protein forms V714M.
Identifiers: ClinVar variation 4978463 (VCV004978463.1).